The following is an entry in ClinVar:

ClinVar aggregate classification (germline): Likely benign (1 of 4 stars; one submission).

Allele frequency attached by ClinVar (database versions not stated): gnomAD 0.00055; 1000 Genomes Project 0.00080; ExAC 0.00083.
gnomAD v4.1: 359 of 1,257,980 alleles (0.029%); highest among the groups gnomAD compares: South Asian, 0.099%; 34 homozygotes.

Submission:

CeGaT Center for Human Genetics Tuebingen
Classification: Likely benign. Last evaluated: 2022-12-01. Review status: criteria provided, single submitter. Criteria: CeGaT Center For Human Genetics Tuebingen Variant Classification Criteria Version 2. Collection method: clinical testing. Allele origin: germline. Affected: yes. Observed: 1 variant allele.
Comment: ZNF778: BS2

NM_001201407.2(ZNF778):c.*4412T>C

Gene: ZNF778 (zinc finger protein 778; plus strand). Cytogenetic location: 16q24.3.
Variant type: single nucleotide variant.
Coding change: c.*4412T>C on transcript NM_001201407.2 (MANE Select); 4412 bases downstream of the stop codon, T replaced by C.
Molecular consequence: 3 prime UTR variant. On other transcripts: non-coding transcript variant (1).
Genome position (GRCh38, 1-based): chr16:89,232,974, T>C. VCF-style: chr16-89232974-T-C. GRCh37 (hg19) VCF-style: chr16-89299382-T-C.
Other names: c.*4412T>C (NM_001378881.1, NM_182531.5).
Identifiers: ClinVar variation 2647051 (VCV002647051.24), dbSNP rs564221737, ClinGen allele CA8240694.
Genomic context (GRCh38, chr16:89,232,974, plus strand): 5'-GCACTGCGTATGCGAATCCACTCACTGCCTATGCAACTCAGCTCGCTCTGCGTATGCAAC[T>C]GAGCTCGCTCTGCGTATGCAACCCAGCTCGCTCTGCGTATGCAACTCAAGTCGCACTGCG-3'